The following is an entry in ClinVar:

ClinVar aggregate classification (germline): Uncertain significance. Review status: criteria provided, multiple submitters, no conflicts (2 of 4 stars). 2 submissions from 2 submitters: Uncertain significance (2). Last evaluated 2021-08-31.

Conditions:
T-B+ severe combined immunodeficiency due to JAK3 deficiency. Also called: SCID, T CELL-NEGATIVE, B CELL-POSITIVE, NK CELL-NEGATIVE; SCID, autosomal recessive, T-negative/B-positive type. Identifiers: Orphanet 35078, MedGen C1833275, MONDO:0010938, OMIM 600802.

Allele frequency attached by ClinVar (database versions not stated): gnomAD below 0.00001 and 0.00001; gnomAD exomes 0.00001 and 0.00002; ExAC 0.00002; 1000 Genomes Project 30x 0.00016; 1000 Genomes Project 0.00020.
gnomAD v4.1: 18 of 1,614,122 alleles (0.0011%); highest among the groups gnomAD compares: South Asian, 0.0044%; no homozygotes.

Submissions (2):

Labcorp Genetics (formerly Invitae), Labcorp
Classification: Uncertain significance for T-B+ severe combined immunodeficiency due to JAK3 deficiency. Last evaluated: 2021-08-31. Review status: criteria provided, single submitter. Criteria: Invitae Variant Classification Sherloc (09022015). Collection method: clinical testing. Allele origin: germline.
Comment: This sequence change replaces arginine with glutamine at codon 741 of the JAK3 protein (p.Arg741Gln). The arginine residue is weakly conserved and there is a small physicochemical difference between arginine and glutamine. This variant is present in population databases (rs202027945, ExAC 0.01%). This variant has not been reported in the literature in individuals affected with JAK3-related conditions. Algorithms developed to predict the effect of missense changes on protein structure and function output the following: SIFT: "Tolerated"; PolyPhen-2: "Benign"; Align-GVGD: "Class C0". The glutamine amino acid residue is found in multiple mammalian species, which suggests that this missense change does not adversely affect protein function. In summary, the available evidence is currently insufficient to determine the role of this variant in disease. Therefore, it has been classified as a Variant of Uncertain Significance.

Illumina Laboratory Services, Illumina
Classification: Uncertain significance for T-B+ severe combined immunodeficiency due to JAK3 deficiency. Last evaluated: 2018-01-13. Review status: criteria provided, single submitter. Criteria: ICSL Variant Classification Criteria 13 December 2019. Collection method: clinical testing. Allele origin: germline.

NM_000215.4(JAK3):c.2222G>A (p.Arg741Gln)

Gene: JAK3 (Janus kinase 3; minus strand). Cytogenetic location: 19p13.11.
Variant type: single nucleotide variant.
Coding change: c.2222G>A on transcript NM_000215.4 (MANE Select); coding-DNA position 2222, G replaced by A.
Protein change: p.Arg741Gln; replaces arginine 741 with glutamine.
Molecular consequence: missense variant.
Genome position (GRCh38, 1-based): chr19:17,834,699, C>T on the plus strand (G>A on the coding strand, the complement: JAK3 is on the minus strand). VCF-style: chr19-17834699-C-T. GRCh37 (hg19) VCF-style: chr19-17945508-C-T.
Other names: short protein forms R741Q.
Identifiers: ClinVar variation 835046 (VCV000835046.10), dbSNP rs202027945, ClinGen allele CA9301644.